The following is an entry in ClinVar:

NM_130839.5(UBE3A):c.1965A>G (p.Leu655=)

Genes: SNHG14 (small nucleolar RNA host gene 14; plus strand), UBE3A (ubiquitin protein ligase E3A; minus strand). Cytogenetic location: 15q11.2.
Variant type: single nucleotide variant.
Coding change: c.1965A>G on transcript NM_130839.5 (MANE Select); coding-DNA position 1965, A replaced by G.
Protein change: p.Leu655=; no amino-acid change (leucine 655 retained).
Molecular consequence: synonymous variant. On other transcripts: non-coding transcript variant (1), intron variant (1).
Genome position (GRCh38, 1-based): chr15:25,356,051, T>C on the plus strand (A>G on the coding strand, the complement: UBE3A is on the minus strand). VCF-style: chr15-25356051-T-C. GRCh37 (hg19) VCF-style: chr15-25601198-T-C.
Other names: NM_130839.5(UBE3A):c.1965A>G; p.Leu655=; c.1974A>G, p.Leu658= (NM_000462.5); c.1965A>G, p.Leu655= (NM_001354505.1, NM_001354538.2, NM_001354545.2); c.1905A>G, p.Leu635= (NM_001354506.2, NM_001354507.2, NM_001354508.2 and 16 more transcripts); c.1788A>G, p.Leu596= (NM_001354546.2); c.714A>G, p.Leu238= (NM_001354550.2); c.654A>G, p.Leu218= (NM_001354551.2); and 1 more.
Identifiers: ClinVar variation 437189 (VCV000437189.21), dbSNP rs371296838, ClinGen allele CA7435453.

ClinVar aggregate classification (germline): Likely benign. Review status: reviewed by expert panel (3 of 4 stars). 6 submissions from 6 submitters: Likely benign (1). 5 of the submissions do not count toward it. Last evaluated 2023-06-16.

Conditions:
Angelman syndrome (AS). Also called: HAPPY PUPPET SYNDROME. Identifiers: Orphanet 72, MedGen C0162635, MONDO:0007113, OMIM 105830. Disease mechanism: loss of function. Inheritance: AS is caused by disruption of maternally imprinted UBE3A located within the 15q11.2-q13 Angelman syndrome/Prader-Willi syndrome (AS/PWS) region., imprinting disorder.

Allele frequency attached by ClinVar (database versions not stated): gnomAD 0.00001; ExAC 0.00002; gnomAD exomes 0.00002; TOPMed 0.00002; ESP Exome Variant Server 0.00008.
gnomAD v4.1: 37 of 1,613,606 alleles (0.0023%); highest among the groups gnomAD compares: African/African-American, 0.0053%; no homozygotes.

Submissions (6):

ClinGen Rett and Angelman-like Disorders Variant Curation Expert Panel
Classification: Likely benign for Angelman syndrome. Last evaluated: 2023-06-16. Review status: reviewed by expert panel. Criteria: ClinGen RettAS ACMG Specifications UBE3A V4.0.0. Collection method: curation. Allele origin: germline. Inheritance: Autosomal dominant inheritance.
Comment: The allele frequency of the c.1905A>G p.Leu635= variant in UBE3A (NM_130838.2) is 0.01% in the African/African American sub population in gnomAD, which is high enough to meet the BS1 criteria based on thresholds defined by the ClinGen Rett/Angelman-like Expert Panel for Rett/AS-like conditions (BS1). The silent p.Leu635= variant is not predicted to affect splicing using multiple computational tools and does not affect a highly conserved nucleotide (BP4, BP7). In summary, the c.1905A>G p.Leu635= variant in UBE3A is classified as Likely Benign based on the ACMG/AMP criteria (BS1, BP4, BP7).

Labcorp Genetics (formerly Invitae), Labcorp
Classification: Likely benign for Angelman syndrome. Last evaluated: 2025-10-01. Review status: criteria provided, single submitter. Criteria: Invitae Variant Classification Sherloc (09022015). Collection method: clinical testing. Allele origin: germline. Not counted in ClinVar's aggregate classification.

GeneDx
Classification: Likely benign. Last evaluated: 2021-03-04. Review status: criteria provided, single submitter. Criteria: GeneDx Variant Classification Process June 2021. Collection method: clinical testing. Allele origin: germline. Affected: yes. Not counted in ClinVar's aggregate classification.

Blueprint Genetics
Classification: Likely benign. Last evaluated: 2021-02-08. Review status: criteria provided, single submitter. Criteria: ACMG Guidelines, 2015. Collection method: clinical testing. Allele origin: germline. Not counted in ClinVar's aggregate classification.

Eurofins Ntd Llc (ga)
Classification: Uncertain significance. Last evaluated: 2017-10-25. Review status: criteria provided, single submitter. Criteria: EGL Classification Definitions 2015. Collection method: clinical testing. Allele origin: germline. Observed: 1 variant allele, 1 heterozygote. Not counted in ClinVar's aggregate classification.

Genetic Services Laboratory, University of Chicago
Classification: Likely benign. Last evaluated: 2017-04-03. Review status: criteria provided, single submitter. Criteria: ACMG Guidelines, 2015. Collection method: clinical testing. Allele origin: germline. Affected: no. Not counted in ClinVar's aggregate classification.